The following is an entry in ClinVar:

ClinVar aggregate classification (germline): Uncertain significance (1 of 4 stars; one submission).

gnomAD v4.1: 2 of 1,441,128 alleles (0.00014%); highest among the groups gnomAD compares: Non-Finnish European, 0.00019%; no homozygotes.

Submission:

Women's Health and Genetics/Laboratory Corporation of America, LabCorp
Classification: Uncertain significance. Last evaluated: 2024-12-03. Review status: criteria provided, single submitter. Criteria: LabCorp Variant Classification Summary - May 2015. Collection method: clinical testing. Allele origin: germline.
Comment: Variant summary: MED12L c.4974T>A (p.Asp1658Glu) results in a conservative amino acid change in the encoded protein sequence. Four of five in-silico tools predict a benign effect of the variant on protein function. The variant allele was found at a frequency of 1.4e-06 in 1434554 control chromosomes in the gnomAD database (v4.1 dataset). The available data on variant occurrences in the general population are insufficient to allow any conclusion about variant significance. To our knowledge, no occurrence of c.4974T>A in individuals affected with Nizon-Isidor Syndrome and no experimental evidence demonstrating its impact on protein function have been reported. No submitters have cited clinical-significance assessments for this variant to ClinVar. Based on the evidence outlined above, the variant was classified as uncertain significance.

NM_001393769.1(MED12L):c.5079T>A (p.Asp1693Glu)

Gene: MED12L (mediator complex subunit 12L; plus strand). Cytogenetic location: 3q25.1.
Variant type: single nucleotide variant.
Coding change: c.5079T>A on transcript NM_001393769.1 (MANE Select); coding-DNA position 5079, T replaced by A.
Protein change: p.Asp1693Glu; replaces aspartic acid 1693 with glutamic acid.
Molecular consequence: missense variant.
Genome position (GRCh38, 1-based): chr3:151,385,182, T>A. VCF-style: chr3-151385182-T-A. GRCh37 (hg19) VCF-style: chr3-151102970-T-A.
Other names: c.4974T>A, p.Asp1658Glu (NM_053002.6); short protein forms D1658E, D1693E.
Identifiers: ClinVar variation 3768318 (VCV003768318.1).
Genomic context (GRCh38, chr3:151,385,182, plus strand): 5'-ACCTATGGGTTCCTTGATTGACACAAAAGGAAACAAAATTGCTGGATTTGACTCTATAGA[T>A]AAAAAACAGGCAAGAGTGAATGTTTTTTCTTATATATAAATTTATTTACAAAAGATGAAA-3'
Protein context (NP_001380698.1, residues 1683-1703): GNKIAGFDSI[Asp1693Glu]KKQGLQVSTK